The following is an entry in ClinVar:

ClinVar aggregate classification (germline): Pathogenic. Review status: criteria provided, multiple submitters, no conflicts (2 of 4 stars). 3 submissions from 3 submitters: Pathogenic (3). Last evaluated 2025-09-02.

Conditions:
BEST1-related disorder. Also called: BEST1-related disorders; BEST1-related condition. Identifiers: MedGen CN239200.

Allele frequency attached by ClinVar (database versions not stated): gnomAD 0.00001; TOPMed 0.00001; gnomAD exomes 0.00003.
gnomAD v4.1: 36 of 1,549,528 alleles (0.0023%); highest among the groups gnomAD compares: Non-Finnish European, 0.0029%; no homozygotes.

Submissions (3):

Labcorp Genetics (formerly Invitae), Labcorp
Classification: Pathogenic. Last evaluated: 2025-09-02. Review status: criteria provided, single submitter. Criteria: Invitae Variant Classification Sherloc (09022015). Collection method: clinical testing. Allele origin: germline.
Comment: This sequence change replaces proline, which is neutral and non-polar, with alanine, which is neutral and non-polar, at codon 152 of the BEST1 protein (p.Pro152Ala). This variant is present in population databases (no rsID available, gnomAD 0.01%). This missense change has been observed in individual(s) with autosomal recessive bestrophinopathy (PMID: 18179881, 31455904). In at least one individual the data is consistent with being in trans (on the opposite chromosome) from a pathogenic variant. ClinVar contains an entry for this variant (Variation ID: 1344923). Invitae Evidence Modeling of protein sequence and biophysical properties (such as structural, functional, and spatial information, amino acid conservation, physicochemical variation, residue mobility, and thermodynamic stability) indicates that this missense variant is expected to disrupt BEST1 protein function with a positive predictive value of 95%. Experimental studies have shown that this missense change affects BEST1 function (PMID: 18179881, 21330666, 24560797). For these reasons, this variant has been classified as Pathogenic.

GeneDx
Classification: Pathogenic. Last evaluated: 2022-03-10. Review status: criteria provided, single submitter. Criteria: GeneDx Variant Classification Process June 2021. Collection method: clinical testing. Allele origin: germline. Affected: yes.
Comment: In vitro functional studies demonstrated that the presence of the P152A variant reduces cation channel activity and results in mislocalization of the BEST1 protein (Burgess et al., 2008; Davidson et al., 2011; Johnson et al., 2014).; In silico analysis supports that this missense variant has a deleterious effect on protein structure/function; This variant is associated with the following publications: (PMID: 24560797, 18179881, 32239196, 31455904, 33039401, 21330666, 21273940)

Blueprint Genetics
Classification: Pathogenic for BEST1-related disorders. Last evaluated: 2021-05-14. Review status: criteria provided, single submitter. Criteria: ACMG Guidelines, 2015. Collection method: clinical testing. Allele origin: germline. Affected: yes. Observed: 1 variant allele.

Literature cited by the submitters: PubMed 18179881 (cited by Labcorp Genetics (formerly Invitae), Labcorp); PubMed 31455904 (cited by Labcorp Genetics (formerly Invitae), Labcorp); PubMed 21330666 (cited by Labcorp Genetics (formerly Invitae), Labcorp); PubMed 24560797 (cited by Labcorp Genetics (formerly Invitae), Labcorp).

NM_004183.4(BEST1):c.454C>G (p.Pro152Ala)

Gene: BEST1 (bestrophin 1; plus strand). Cytogenetic location: 11q12.3.
Variant type: single nucleotide variant.
Coding change: c.454C>G on transcript NM_004183.4 (MANE Select); coding-DNA position 454, C replaced by G.
Protein change: p.Pro152Ala; replaces proline 152 with alanine.
Molecular consequence: missense variant. On other transcripts: non-coding transcript variant (1).
Genome position (GRCh38, 1-based): chr11:61,955,924, C>G. VCF-style: chr11-61955924-C-G. GRCh37 (hg19) VCF-style: chr11-61723396-C-G.
Other names: c.274C>G, p.Pro92Ala (NM_001139443.3, NM_001300786.2, NM_001300787.2); c.136C>G, p.Pro46Ala (NM_001363591.3); c.454C>G, p.Pro152Ala (NM_001363592.2); c.-722C>G (NM_001363593.3); short protein forms P46A, P92A, P152A.
Identifiers: ClinVar variation 1344923 (VCV001344923.9), dbSNP rs1417478879, ClinGen allele CA380835453.